The following is an entry in ClinVar:

ClinVar aggregate classification (germline): Uncertain significance (1 of 4 stars; one submission).

Submission:

Labcorp Genetics (formerly Invitae), Labcorp
Classification: Uncertain significance. Last evaluated: 2022-08-09. Review status: criteria provided, single submitter. Criteria: Invitae Variant Classification Sherloc (09022015). Collection method: clinical testing. Allele origin: germline.
Comment: In summary, the available evidence is currently insufficient to determine the role of this variant in disease. Therefore, it has been classified as a Variant of Uncertain Significance. Algorithms developed to predict the effect of sequence changes on RNA splicing suggest that this variant is not likely to affect RNA splicing. ClinVar contains an entry for this variant (Variation ID: 956114). This variant has not been reported in the literature in individuals affected with SAMD11-related conditions. This variant is not present in population databases (gnomAD no frequency). This sequence change affects codon 85 of the SAMD11 mRNA. It is a 'silent' change, meaning that it does not change the encoded amino acid sequence of the SAMD11 protein. It affects a nucleotide within the consensus splice site.

NM_001385641.1(SAMD11):c.792A>G (p.Arg264=)

Gene: SAMD11 (sterile alpha motif domain containing 11; plus strand). Cytogenetic location: 1p36.33.
Variant type: single nucleotide variant.
Coding change: c.792A>G on transcript NM_001385641.1 (MANE Select); coding-DNA position 792, A replaced by G.
Protein change: p.Arg264=; no amino-acid change (arginine 264 retained).
Molecular consequence: synonymous variant.
Genome position (GRCh38, 1-based): chr1:931,039, A>G. VCF-style: chr1-931039-A-G. GRCh37 (hg19) VCF-style: chr1-866419-A-G.
Other names: c.792A>G, p.Arg264= (NM_001385640.1); c.255A>G, p.Arg85= (NM_152486.4).
Identifiers: ClinVar variation 956114 (VCV000956114.9), dbSNP rs1641143770, ClinGen allele CA415379782.